The following is an entry in ClinVar:

NM_020987.5(ANK3):c.3376A>G (p.Ile1126Val)

Gene: ANK3 (ankyrin 3; minus strand). Cytogenetic location: 10q21.2.
Variant type: single nucleotide variant.
Coding change: c.3376A>G on transcript NM_020987.5 (MANE Select); coding-DNA position 3376, A replaced by G.
Protein change: p.Ile1126Val; replaces isoleucine 1126 with valine.
Molecular consequence: missense variant.
Genome position (GRCh38, 1-based): chr10:60,088,311, T>C on the plus strand (A>G on the coding strand, the complement: ANK3 is on the minus strand). VCF-style: chr10-60088311-T-C. GRCh37 (hg19) VCF-style: chr10-61848069-T-C.
Other names: c.778A>G, p.Ile260Val (NM_001149.4); c.3358A>G, p.Ile1120Val (NM_001204403.2); c.3379A>G, p.Ile1127Val (NM_001204404.2); c.3376A>G, p.Ile1126Val (NM_001320874.2); c.3376A>G (NM_020987.4); short protein forms I1120V, I1126V, I260V, I1127V.
Identifiers: ClinVar variation 391819 (VCV000391819.3), dbSNP rs1057524244, ClinGen allele CA16605658.

ClinVar aggregate classification (germline): Uncertain significance. Review status: criteria provided, multiple submitters, no conflicts (2 of 4 stars). 2 submissions from 2 submitters: Uncertain significance (2). Last evaluated 2019-08-28.

Conditions:
Intellectual developmental disorder, autosomal recessive 37. Also called: Intellectual disability-hypotonia-spasticity-sleep disorder syndrome. Identifiers: Orphanet 356996, MedGen C3809672, MONDO:0014210, OMIM 615493.

Allele frequency attached by ClinVar (database versions not stated): gnomAD exomes below 0.00001.
gnomAD v4.1: 4 of 1,614,220 alleles (0.00025%); highest among the groups gnomAD compares: Non-Finnish European, 0.00034%; no homozygotes.

Submissions (2):

Victorian Clinical Genetics Services, Murdoch Childrens Research Institute
Classification: Uncertain significance for Intellectual developmental disorder, autosomal recessive 37. Last evaluated: 2019-08-28. Review status: criteria provided, single submitter. Criteria: ACMG Guidelines, 2015. Collection method: clinical testing. Allele origin: germline. Affected: yes.
Comment: A heterozygous missense variant was identified, NM_020987.4(ANK3):c.3376A>G in exon 29 of 44 of the ANK3 gene. This substitution is predicted to create a minor amino acid change from isoleucine to valine at position 1126 of the protein, NP_066267.2(ANK3):p.(Ile1126Val). The valine at this position is located in a region of moderate conservation (100 vertebrates, UCSC), within the ZU5 1 motif (PDB, UniProt). In silico software predictions of the pathogenicity of this variant are conflicting (PolyPhen, SIFT, CADD, MutationTaster). The variant is not present in the gnomAD population database. Alternative changes to methionine and threonine at the same residue have been reported in the gnomAD database at a frequency of 0.005% each in the East Asian population. The variant has been previously reported as a VUS. Based on information available at the time of curation, this variant has been classified as a VARIANT of UNCERTAIN SIGNIFICANCE (VUS).

GeneDx
Classification: Uncertain significance. Last evaluated: 2016-12-19. Review status: criteria provided, single submitter. Criteria: GeneDx Variant Classification (06012015). Collection method: clinical testing. Allele origin: germline. Affected: yes.
Comment: The I1126V variant in the ANK3 gene has not been reported previously as a pathogenic variant, nor as a benign variant, to our knowledge. The I1126V variant was not observed in approximately 6500 individuals of European and African American ancestry in the NHLBI Exome Sequencing Project, indicating it is not a common benign variant in these populations. The I1126V variant is a conservative amino acid substitution, which is not likely to impact secondary protein structure as these residues share similar properties. In addition, this substitution occurs at a position where amino acids with similar properties to Isoleucine are tolerated across species. However, in silico analysis is inconsistent in its predictions as to whether or not the variant is damaging to the protein structure/function. We interpret I1126V as a variant of uncertain significance.